The following is an entry in ClinVar:

ClinVar aggregate classification (germline): Uncertain significance (1 of 4 stars; one submission).

Submission:

Labcorp Genetics (formerly Invitae), Labcorp
Classification: Uncertain significance. Last evaluated: 2023-06-13. Review status: criteria provided, single submitter. Criteria: Invitae Variant Classification Sherloc (09022015). Collection method: clinical testing. Allele origin: germline.
Comment: In summary, the available evidence is currently insufficient to determine the role of this variant in disease. Therefore, it has been classified as a Variant of Uncertain Significance. Advanced modeling of protein sequence and biophysical properties (such as structural, functional, and spatial information, amino acid conservation, physicochemical variation, residue mobility, and thermodynamic stability) has been performed at Invitae for this missense variant, however the output from this modeling did not meet the statistical confidence thresholds required to predict the impact of this variant on P3H2 protein function. ClinVar contains an entry for this variant (Variation ID: 1716203). This variant has not been reported in the literature in individuals affected with P3H2-related conditions. This variant is not present in population databases (gnomAD no frequency). This sequence change replaces isoleucine, which is neutral and non-polar, with methionine, which is neutral and non-polar, at codon 159 of the P3H2 protein (p.Ile159Met).

NM_018192.4(P3H2):c.477C>G (p.Ile159Met)

Gene: P3H2 (prolyl 3-hydroxylase 2; minus strand). Cytogenetic location: 3q28.
Variant type: single nucleotide variant.
Coding change: c.477C>G on transcript NM_018192.4 (MANE Select); coding-DNA position 477, C replaced by G.
Protein change: p.Ile159Met; replaces isoleucine 159 with methionine.
Molecular consequence: missense variant. On other transcripts: intron variant (1).
Genome position (GRCh38, 1-based): chr3:190,120,255, G>C on the plus strand (C>G on the coding strand, the complement: P3H2 is on the minus strand). VCF-style: chr3-190120255-G-C. GRCh37 (hg19) VCF-style: chr3-189838044-G-C.
Other names: c.-64+1948C>G (NM_001134418.2); short protein forms I159M.
Identifiers: ClinVar variation 1716203 (VCV001716203.5), dbSNP rs2108531317, ClinGen allele CA355859399.